The following is an entry in ClinVar:

ClinVar aggregate classification (germline): Likely benign. Review status: reviewed by expert panel (3 of 4 stars). 7 submissions from 7 submitters: Likely benign (1). 6 of the submissions do not count toward it. Last evaluated 2017-06-29.

Conditions:
BRCA1-related disorder. Also called: BRCA1-related condition.
Breast-ovarian cancer, familial, susceptibility to, 1 (BROVCA1). Also called: BRCA1 Hereditary Breast and Ovarian Cancer; OVARIAN CANCER, SUSCEPTIBILITY TO. Identifiers: Orphanet 145, MedGen C2676676, MONDO:0011450, OMIM 604370. Disease mechanism: loss of function.
Hereditary cancer-predisposing syndrome. Also called: Neoplastic Syndromes, Hereditary; Hereditary neoplastic syndrome; Hereditary Cancer Syndrome; Tumor predisposition. Identifiers: Orphanet 140162, MedGen C0027672, MeSH D009386, MONDO:0015356.
Hereditary breast ovarian cancer syndrome. Also called: Hereditary breast and ovarian cancer syndrome; Breast and ovarian cancer; Hereditary breast and ovarian cancer syndrome (HBOC); Hereditary breast and/or ovarian cancer syndrome; BRCA1- and BRCA2-Associated Hereditary Breast and Ovarian Cancer; Hereditary breast and ovarian cancer. Identifiers: Orphanet 145, MedGen C0677776, MeSH D061325, MONDO:0003582. Disease mechanism: loss of function.

Allele frequency attached by ClinVar (database versions not stated): gnomAD exomes below 0.00001 and 0.00001; TOPMed 0.00002; gnomAD 0.00001; ExAC 0.00002.
gnomAD v4.1: 3 of 1,612,798 alleles (0.00019%); highest among the groups gnomAD compares: African/African-American, 0.004%; no homozygotes.

Submissions (8):

Evidence-based Network for the Interpretation of Germline Mutant Alleles (ENIGMA)
Classification: Likely benign for Breast-ovarian cancer, familial, susceptibility to, 1. Last evaluated: 2017-06-29. Review status: reviewed by expert panel. Criteria: ENIGMA BRCA1/2 Classification Criteria (2017-06-29). Collection method: curation. Allele origin: germline.
Comment: Synonymous substitution variant, with low bioinformatic likelihood to result in a splicing aberration (Splicing prior probability 0.02).

Labcorp Genetics (formerly Invitae), Labcorp
Classification: Likely benign for Hereditary breast ovarian cancer syndrome. Last evaluated: 2025-11-22. Review status: criteria provided, single submitter. Criteria: Invitae Variant Classification Sherloc (09022015). Collection method: clinical testing. Allele origin: germline. Not counted in ClinVar's aggregate classification.

Quest Diagnostics Nichols Institute San Juan Capistrano
Classification: Likely benign. Last evaluated: 2025-09-16. Review status: criteria provided, single submitter. Criteria: Quest Diagnostics criteria. Collection method: clinical testing. Allele origin: unknown. Not counted in ClinVar's aggregate classification.

Women's Health and Genetics/Laboratory Corporation of America, LabCorp
Classification: Likely benign. Last evaluated: 2024-01-21. Review status: criteria provided, single submitter. Criteria: LabCorp Variant Classification Summary - May 2015. Collection method: clinical testing. Allele origin: germline. Not counted in ClinVar's aggregate classification.

Ambry Genetics
Classification: Likely benign for Hereditary cancer-predisposing syndrome. Last evaluated: 2019-02-07. Review status: criteria provided, single submitter. Criteria: Ambry Variant Classification Scheme 2023. Collection method: clinical testing. Allele origin: germline. Not counted in ClinVar's aggregate classification.

Color Diagnostics, LLC DBA Color Health
Classification: Likely benign for Hereditary cancer-predisposing syndrome. Last evaluated: 2017-10-26. Review status: criteria provided, single submitter. Criteria: ACMG Guidelines, 2015. Collection method: clinical testing. Allele origin: germline. Not counted in ClinVar's aggregate classification.

PreventionGenetics, part of Exact Sciences
Classification: Likely benign for BRCA1-related condition. Last evaluated: 2022-10-12. Review status: no assertion criteria provided. Collection method: clinical testing. Allele origin: germline. Not counted in ClinVar's aggregate classification.
Comment: This variant is classified as likely benign based on ACMG/AMP sequence variant interpretation guidelines (Richards et al. 2015 PMID: 25741868, with internal and published modifications).

Brotman Baty Institute, University of Washington
No classification provided (evidence only). Condition: Breast-ovarian cancer, familial 1. Review status: no classification provided. Collection method: in vitro. Allele origin: not applicable. Functional consequence: functionally_normal. Not counted in ClinVar's aggregate classification.
ClinVar note: "not provided" was previously submitted as the classification for the variant. However, the classification appeared to be based only on an observation of functional data so it was converted to no classification on 2025-07-30.

Literature cited by the submitters: PubMed 30209399 (cited by Quest Diagnostics Nichols Institute San Juan Capistrano).

NM_007294.4(BRCA1):c.6T>C (p.Asp2=)

Gene: BRCA1 (BRCA1 DNA repair associated; minus strand). Cytogenetic location: 17q21.31.
Variant type: single nucleotide variant.
Coding change: c.6T>C on transcript NM_007294.4 (MANE Select); coding-DNA position 6, T replaced by C.
Protein change: p.Asp2=; no amino-acid change (aspartic acid 2 retained).
Molecular consequence: synonymous variant. On other transcripts: 5 prime UTR variant (136), intron variant (36).
Genome position (GRCh38, 1-based): chr17:43,124,091, A>G on the plus strand (T>C on the coding strand, the complement: BRCA1 is on the minus strand). VCF-style: chr17-43124091-A-G. GRCh37 (hg19) VCF-style: chr17-41276108-A-G.
Other names: c.6T>C, p.Asp2= (NM_001408408.1, NM_001408409.1, NM_001408411.1 and 193 more transcripts); c.-255T>C (NM_001408410.1, NM_001408452.1, NM_001408462.1 and 22 more transcripts); c.-82T>C (NM_001408454.1, NM_001408459.1, NM_001408460.1 and 23 more transcripts); c.-252T>C (NM_001408455.1, NM_001408456.1, NM_001408468.1 and 11 more transcripts); c.-256T>C (NM_001408465.1, NM_001407695.1); c.-183T>C (NM_001408478.1, NM_001408479.1, NM_001408480.1 and 46 more transcripts); c.-328T>C (NM_001408482.1); c.-299T>C (NM_001408492.1, NM_001407889.1); and 23 more.
Identifiers: ClinVar variation 415555 (VCV000415555.26), dbSNP rs754763517, ClinGen allele CA059457.